The following is an entry in ClinVar:

NM_005045.4(RELN):c.8314A>C (p.Asn2772His)

Genes: RELN (reelin; minus strand), SLC26A5-AS1 (SLC26A5 antisense RNA 1; plus strand). Cytogenetic location: 7q22.1.
Variant type: single nucleotide variant.
Coding change: c.8314A>C on transcript NM_005045.4 (MANE Select); coding-DNA position 8314, A replaced by C.
Protein change: p.Asn2772His; replaces asparagine 2772 with histidine.
Molecular consequence: missense variant.
Genome position (GRCh38, 1-based): chr7:103,503,191, T>G on the plus strand (A>C on the coding strand, the complement: RELN is on the minus strand). VCF-style: chr7-103503191-T-G. GRCh37 (hg19) VCF-style: chr7-103143638-T-G.
Other names: c.8314A>C, p.Asn2772His (NM_173054.3); short protein forms N2772H.
Identifiers: ClinVar variation 2941908 (VCV002941908.3), dbSNP rs2484715159, ClinGen allele CA368757879.

ClinVar aggregate classification (germline): Uncertain significance (1 of 4 stars; one submission).

Conditions:
Norman-Roberts syndrome (LIS2). Also called: Lissencephaly 2 (Norman-Roberts type). Identifiers: Orphanet 89844, MedGen C0796089, MONDO:0009760, OMIM 257320.
Familial temporal lobe epilepsy 7. Identifiers: Orphanet 101046, MedGen C4225327, MONDO:0014639, OMIM 616436.

Allele frequency attached by ClinVar (database versions not stated): gnomAD exomes below 0.00001.
gnomAD v4.1: 1 of 1,614,184 alleles (0.000062%); highest among the groups gnomAD compares: Non-Finnish European, 0.000085%; no homozygotes.

Submission:

Labcorp Genetics (formerly Invitae), Labcorp
Classification: Uncertain significance for Familial temporal lobe epilepsy 7; Norman-Roberts syndrome. Last evaluated: 2023-06-13. Review status: criteria provided, single submitter. Criteria: Invitae Variant Classification Sherloc (09022015). Collection method: clinical testing. Allele origin: germline.
Comment: In summary, the available evidence is currently insufficient to determine the role of this variant in disease. Therefore, it has been classified as a Variant of Uncertain Significance. Advanced modeling of protein sequence and biophysical properties (such as structural, functional, and spatial information, amino acid conservation, physicochemical variation, residue mobility, and thermodynamic stability) performed at Invitae indicates that this missense variant is not expected to disrupt RELN protein function. This variant has not been reported in the literature in individuals affected with RELN-related conditions. This variant is not present in population databases (gnomAD no frequency). This sequence change replaces asparagine, which is neutral and polar, with histidine, which is basic and polar, at codon 2772 of the RELN protein (p.Asn2772His).